The following is an entry in ClinVar:

ClinVar aggregate classification (germline): Likely pathogenic (1 of 4 stars; one submission).

Conditions:
Inborn genetic diseases. Identifiers: MedGen C0950123, MeSH D030342.

gnomAD v4.1: 2 of 1,614,174 alleles (0.00012%); highest among the groups gnomAD compares: Non-Finnish European, 0.00017%; no homozygotes.

Submission:

Ambry Genetics
Classification: Likely pathogenic for Inborn genetic diseases. Last evaluated: 2025-03-28. Review status: criteria provided, single submitter. Criteria: Ambry Variant Classification Scheme 2023. Collection method: clinical testing. Allele origin: germline.
Comment: The c.2752C>T (p.R918C) alteration is located in exon 9 (coding exon 9) of the KDM3B gene. This alteration results from a C to T substitution at nucleotide position 2752, causing the arginine (R) at amino acid position 918 to be replaced by a cysteine (C). This variant was not reported in population-based cohorts in the Genome Aggregation Database (gnomAD). This amino acid position is highly conserved in available vertebrate species. This missense alteration is located in a region that has a low rate of benign missense variation (Lek, 2016; Firth, 2009). This alteration is predicted to be deleterious by in silico analysis. Based on the available evidence, this alteration is classified as likely pathogenic.

NM_016604.4(KDM3B):c.2752C>T (p.Arg918Cys)

Gene: KDM3B (lysine demethylase 3B; plus strand). Cytogenetic location: 5q31.2.
Variant type: single nucleotide variant.
Coding change: c.2752C>T on transcript NM_016604.4 (MANE Select); coding-DNA position 2752, C replaced by T.
Protein change: p.Arg918Cys; replaces arginine 918 with cysteine.
Molecular consequence: missense variant.
Genome position (GRCh38, 1-based): chr5:138,393,293, C>T. VCF-style: chr5-138393293-C-T. GRCh37 (hg19) VCF-style: chr5-137728982-C-T.
Other names: short protein forms R918C.
Identifiers: ClinVar variation 3533058 (VCV003533058.2).